The following is an entry in ClinVar:

ClinVar aggregate classification (germline): Benign/Likely benign. Review status: criteria provided, multiple submitters, no conflicts (2 of 4 stars). 10 submissions from 10 submitters: Benign (3); Likely benign (7). Last evaluated 2026-01-10.

Conditions:
Cardiovascular phenotype. Identifiers: MedGen CN230736.
Catecholaminergic polymorphic ventricular tachycardia (CVPT). Also called: Catecholamine-induced polymorphic ventricular tachycardia. Identifiers: Orphanet 3286, MedGen C5574922, MONDO:0017990.
Cardiomyopathy (CMYO). Also called: Cardiomyopathies. Identifiers: Orphanet 167848, MedGen C0878544, MONDO:0004994, HP:0001638. Inheritance: Various modes of inheritance.
Catecholaminergic polymorphic ventricular tachycardia 1. Also called: VENTRICULAR TACHYCARDIA, STRESS-INDUCED POLYMORPHIC 1; VENTRICULAR TACHYCARDIA, CATECHOLAMINERGIC POLYMORPHIC, 1, WITH OR WITHOUT ATRIAL DYSFUNCTION AND/OR DILATED CARDIOMYOPATHY; RYR2-Related Catecholaminergic Polymorphic Ventricular Tachycardia. Identifiers: Orphanet 3286, MedGen C1631597, MONDO:0011484, OMIM 604772.

Allele frequency attached by ClinVar (database versions not stated): gnomAD 0.00005 and 0.00011; TOPMed 0.00009; gnomAD exomes 0.00019; ExAC 0.00032.
gnomAD v4.1: 283 of 1,613,998 alleles (0.018%); highest among the groups gnomAD compares: South Asian, 0.18%; 4 homozygotes.

Submissions (10):

Labcorp Genetics (formerly Invitae), Labcorp
Classification: Benign for Catecholaminergic polymorphic ventricular tachycardia 1. Last evaluated: 2026-01-10. Review status: criteria provided, single submitter. Criteria: Invitae Variant Classification Sherloc (09022015). Collection method: clinical testing. Allele origin: germline.

Molecular Diagnostic Laboratory for Inherited Cardiovascular Disease, Montreal Heart Institute
Classification: Likely benign. Last evaluated: 2025-04-09. Review status: criteria provided, single submitter. Criteria: ACMG Guidelines, 2015. Collection method: clinical testing. Allele origin: germline. Affected: no.
Comment: BS1;BP6;BP7

Blueprint Genetics
Classification: Benign. Last evaluated: 2024-09-10. Review status: criteria provided, single submitter. Criteria: ACMG Guidelines, 2015. Collection method: clinical testing. Allele origin: germline.

All of Us Research Program, National Institutes of Health
Classification: Likely benign for Catecholaminergic polymorphic ventricular tachycardia. Last evaluated: 2023-12-07. Review status: criteria provided, single submitter. Criteria: ACMG Guidelines, 2015. Collection method: clinical testing. Allele origin: germline. Inheritance: Autosomal dominant inheritance. Observed: 14 variant alleles, 14 heterozygotes.
Comment: This study involves interpretation of variants in research participants for the purpose of population health screening. Participant phenotype was not available at the time of variant classification. Additional details can be found in publication PMID: 35346344, PMCID: PMC8962531

ARUP Laboratories, Molecular Genetics and Genomics, ARUP Laboratories
Classification: Likely benign. Last evaluated: 2023-11-17. Review status: criteria provided, single submitter. Criteria: ARUP Molecular Germline Variant Investigation Process 2024. Collection method: clinical testing. Allele origin: germline.

Women's Health and Genetics/Laboratory Corporation of America, LabCorp
Classification: Benign. Last evaluated: 2023-08-19. Review status: criteria provided, single submitter. Criteria: LabCorp Variant Classification Summary - May 2015. Collection method: clinical testing. Allele origin: germline.

Ambry Genetics
Classification: Likely benign for Cardiovascular phenotype. Last evaluated: 2021-04-26. Review status: criteria provided, single submitter. Criteria: Ambry Variant Classification Scheme 2023. Collection method: clinical testing. Allele origin: germline.

Color Diagnostics, LLC DBA Color Health
Classification: Likely benign for Cardiomyopathy. Last evaluated: 2018-09-28. Review status: criteria provided, single submitter. Criteria: ACMG Guidelines, 2015. Collection method: clinical testing. Allele origin: germline.

GeneDx
Classification: Likely benign. Last evaluated: 2017-03-14. Review status: criteria provided, single submitter. Criteria: GeneDx Variant Classification (06012015). Collection method: clinical testing. Allele origin: germline. Affected: yes.
Comment: This variant is considered likely benign or benign based on one or more of the following criteria: it is a conservative change, it occurs at a poorly conserved position in the protein, it is predicted to be benign by multiple in silico algorithms, and/or has population frequency not consistent with disease.

Laboratory for Molecular Medicine, Mass General Brigham Personalized Medicine
Classification: Likely benign. Last evaluated: 2013-08-14. Review status: criteria provided, single submitter. Criteria: LMM Criteria. Collection method: clinical testing. Allele origin: germline. Observed: 1 variant allele.
Comment: Asn198Asn in exon 9 of RYR2: This variant is not expected to have clinical signi ficance because it does not alter an amino acid residue and is not located withi n the splice consensus sequence. Asn198Asn in exon 9 of RYR2 (allele frequency = n/a)

NM_001035.3(RYR2):c.594C>T (p.Asn198=)

Gene: RYR2 (ryanodine receptor 2; plus strand). Cytogenetic location: 1q43.
Variant type: single nucleotide variant.
Coding change: c.594C>T on transcript NM_001035.3 (MANE Select); coding-DNA position 594, C replaced by T.
Protein change: p.Asn198=; no amino-acid change (asparagine 198 retained).
Molecular consequence: synonymous variant.
Genome position (GRCh38, 1-based): chr1:237,387,298, C>T. VCF-style: chr1-237387298-C-T. GRCh37 (hg19) VCF-style: chr1-237550598-C-T.
Identifiers: ClinVar variation 179158 (VCV000179158.24), dbSNP rs727504676, ClinGen allele CA010083.